The following is an entry in ClinVar:

ClinVar aggregate classification (germline): Uncertain significance (1 of 4 stars; one submission).

gnomAD v4.1: 2 of 1,608,572 alleles (0.00012%); highest among the groups gnomAD compares: Non-Finnish European, 0.00017%; no homozygotes.

Submission:

Greenwood Genetic Center Diagnostic Laboratories, Greenwood Genetic Center
Classification: Uncertain significance. Last evaluated: 2025-05-27. Review status: criteria provided, single submitter. Criteria: ACMG Guidelines, 2015. Collection method: clinical testing. Allele origin: germline. Affected: yes.
Comment: PM2, PP2, PP3

NM_018082.6(POLR3B):c.2791C>G (p.Pro931Ala)

Gene: POLR3B (RNA polymerase III subunit B; plus strand). Cytogenetic location: 12q23.3.
Variant type: single nucleotide variant.
Coding change: c.2791C>G on transcript NM_018082.6 (MANE Select); coding-DNA position 2791, C replaced by G.
Protein change: p.Pro931Ala; replaces proline 931 with alanine.
Molecular consequence: missense variant.
Genome position (GRCh38, 1-based): chr12:106,496,132, C>G. VCF-style: chr12-106496132-C-G. GRCh37 (hg19) VCF-style: chr12-106889910-C-G.
Other names: c.2617C>G, p.Pro873Ala (NM_001160708.2); short protein forms P873A, P931A.
Identifiers: ClinVar variation 4538258 (VCV004538258.1).
Genomic context (GRCh38, chr12:106,496,132, plus strand): 5'-GTCCCCCAGGAAGACATGCCATTTTGTGATTCTGGCATCTGTCCGGACATCATCATGAAC[C>G]CACACGGCTTCCCATCACGAATGACGGTCAGTGACCTGTAGGTTTTTCAGAGGCATTGCC-3'
Protein context (NP_060552.4, residues 921-941): SGICPDIIMN[Pro931Ala]HGFPSRMTVG